The following is an entry in ClinVar:

NM_000222.3(KIT):c.808G>A (p.Glu270Lys)

Gene: KIT (KIT proto-oncogene, receptor tyrosine kinase; plus strand). Cytogenetic location: 4q12.
Variant type: single nucleotide variant.
Coding change: c.808G>A on transcript NM_000222.3 (MANE Select); coding-DNA position 808, G replaced by A.
Protein change: p.Glu270Lys; replaces glutamic acid 270 with lysine.
Molecular consequence: missense variant.
Genome position (GRCh38, 1-based): chr4:54,703,775, G>A. VCF-style: chr4-54703775-G-A. GRCh37 (hg19) VCF-style: chr4-55569941-G-A.
Other names: c.808G>A, p.Glu270Lys (NM_001093772.2, NM_001385285.1, NM_001385286.1); c.811G>A, p.Glu271Lys (NM_001385284.1, NM_001385288.1, NM_001385290.1 and 1 more transcripts); short protein forms E270K, E271K.
Identifiers: ClinVar variation 3656896 (VCV003656896.2).

ClinVar aggregate classification (germline): Uncertain significance (1 of 4 stars; one submission).

Conditions:
Gastrointestinal stromal tumor. Also called: Gastrointestinal stromal tumor, somatic; Gastrointestinal stroma tumor. Identifiers: Orphanet 44890, MedGen C0238198, MeSH D046152, MONDO:0011719, OMIM 606764, HP:0100723.

Submission:

Labcorp Genetics (formerly Invitae), Labcorp
Classification: Uncertain significance for Gastrointestinal stromal tumor. Last evaluated: 2024-11-21. Review status: criteria provided, single submitter. Criteria: Invitae Variant Classification Sherloc (09022015). Collection method: clinical testing. Allele origin: germline.
Comment: This sequence change replaces glutamic acid, which is acidic and polar, with lysine, which is basic and polar, at codon 270 of the KIT protein (p.Glu270Lys). This variant is not present in population databases (gnomAD no frequency). This variant has not been reported in the literature in individuals affected with KIT-related conditions. An algorithm developed to predict the effect of missense changes on protein structure and function (PolyPhen-2) suggests that this variant is likely to be tolerated. In summary, the available evidence is currently insufficient to determine the role of this variant in disease. Therefore, it has been classified as a Variant of Uncertain Significance.